The following is an entry in ClinVar:

NM_000455.5(STK11):c.1089T>C (p.Thr363=)

Genes: STK11 (serine/threonine kinase 11; plus strand), LOC130062899 (ATAC-STARR-seq lymphoblastoid active region 13597; plus strand). Cytogenetic location: 19p13.3.
Variant type: single nucleotide variant.
Coding change: c.1089T>C on transcript NM_000455.5 (MANE Select); coding-DNA position 1089, T replaced by C.
Protein change: p.Thr363=; no amino-acid change (threonine 363 retained).
Molecular consequence: synonymous variant.
Genome position (GRCh38, 1-based): chr19:1,223,153, T>C. VCF-style: chr19-1223153-T-C. GRCh37 (hg19) VCF-style: chr19-1223152-T-C.
Identifiers: ClinVar variation 229969 (VCV000229969.15), dbSNP rs876658309, ClinGen allele CA10581017.
Genomic context (GRCh38, chr19:1,223,153, plus strand): 5'-CCTGCACGGCGCGGACGAGGACGAGGACCTCTTCGACATCGAGGATGACATCATCTACAC[T>C]CAGGACTTCACGGTGCCCGGTGAGTCTGGCGGGGGCCCCTGCCCGGCTCTGCTGACTCGG-3'
Protein context (NP_000446.1, residues 353-373): LFDIEDDIIY[Thr363=]QDFTVPGQVP

ClinVar aggregate classification (germline): Benign/Likely benign. Review status: criteria provided, multiple submitters, no conflicts (2 of 4 stars). 4 submissions from 4 submitters: Benign (1); Likely benign (3). Last evaluated 2025-03-28.

Conditions:
Hereditary cancer-predisposing syndrome. Also called: Hereditary Cancer Syndrome; Neoplastic Syndromes, Hereditary; Tumor predisposition; Hereditary neoplastic syndrome. Identifiers: Orphanet 140162, MedGen C0027672, MeSH D009386, MONDO:0015356.
Peutz-Jeghers syndrome (PJS). Also called: POLYPOSIS, HAMARTOMATOUS INTESTINAL; POLYPS-AND-SPOTS SYNDROME; Peutz-Jeghers polyposis; Periorificial lentiginosis syndrome. Identifiers: Orphanet 2869, MedGen C0031269, MeSH D010580, MONDO:0008280, OMIM 175200.

Allele frequency attached by ClinVar (database versions not stated): gnomAD exomes below 0.00001.
gnomAD v4.1: 2 of 1,611,508 alleles (0.00012%); highest among the groups gnomAD compares: Non-Finnish European, 0.00017%; no homozygotes.

Submissions (4):

Myriad Genetics, Inc.
Classification: Benign for Peutz-Jeghers syndrome. Last evaluated: 2025-03-28. Review status: criteria provided, single submitter. Criteria: Myriad Autosomal Dominant, Autosomal Recessive and X-Linked Classification Criteria (2023). Collection method: clinical testing. Allele origin: unknown.
Comment: This variant is considered benign. This variant is a silent/synonymous amino acid change and it is not expected to impact splicing.

Sema4
Classification: Likely benign for Hereditary cancer-predisposing syndrome. Last evaluated: 2022-02-07. Review status: criteria provided, single submitter. Criteria: Sema4 Curation Guidelines. Collection method: curation. Allele origin: germline.

Labcorp Genetics (formerly Invitae), Labcorp
Classification: Likely benign for Peutz-Jeghers syndrome. Last evaluated: 2021-04-05. Review status: criteria provided, single submitter. Criteria: Invitae Variant Classification Sherloc (09022015). Collection method: clinical testing. Allele origin: germline.

Ambry Genetics
Classification: Likely benign for Hereditary cancer-predisposing syndrome. Last evaluated: 2015-01-08. Review status: criteria provided, single submitter. Criteria: Ambry Variant Classification Scheme 2023. Collection method: clinical testing. Allele origin: germline.